The following is an entry in ClinVar:

ClinVar aggregate classification (germline): Uncertain significance (1 of 4 stars; one submission).

Conditions:
Hereditary spastic paraplegia 4. Also called: Spastic paraplegia 4, autosomal dominant; Familial spastic paraplegia autosomal dominant 2; Spastic Paraplegia 4. Identifiers: Orphanet 100985, MedGen C1866855, MONDO:0008438, OMIM 182601.

Submission:

Labcorp Genetics (formerly Invitae), Labcorp
Classification: Uncertain significance for Hereditary spastic paraplegia 4. Last evaluated: 2023-01-15. Review status: criteria provided, single submitter. Criteria: Invitae Variant Classification Sherloc (09022015). Collection method: clinical testing. Allele origin: unknown.
Comment: In summary, the available evidence is currently insufficient to determine the role of this variant in disease. Therefore, it has been classified as a Variant of Uncertain Significance. This variant has not been reported in the literature in individuals affected with SPAST-related conditions. This variant results in a copy number gain of the genomic region encompassing exon(s) 13-14 of the SPAST gene. While the exact position of this variant cannot be determined from the data, sub-genic copy number gains are generally in tandem (PMID: 25640679). This variant is predicted to be in-frame, and likely preserves the integrity of the reading frame.

Literature cited by the submitters: PubMed 25640679.

NC_000002.11:g.(?_32366953)_(32368504_?)dup

Gene: SPAST (spastin; plus strand). Cytogenetic location: 2p22.3.
Variant type: Duplication.
Identifiers: ClinVar variation 3247323 (VCV003247323.1).